The following is an entry in ClinVar:

NM_000540.3(RYR1):c.14512-1G>A

Gene: RYR1 (ryanodine receptor 1; plus strand). Cytogenetic location: 19q13.2.
Variant type: single nucleotide variant.
Coding change: c.14512-1G>A on transcript NM_000540.3 (MANE Select); the canonical splice acceptor site of the intron before coding-DNA position 14512, G replaced by A.
Molecular consequence: splice acceptor variant.
Genome position (GRCh38, 1-based): chr19:38,580,369, G>A. VCF-style: chr19-38580369-G-A. GRCh37 (hg19) VCF-style: chr19-39071009-G-A.
Other names: c.14497-1G>A (NM_001042723.2).
Identifiers: ClinVar variation 419522 (VCV000419522.16), dbSNP rs1064793932, ClinGen allele CA113770.

ClinVar aggregate classification (germline): Conflicting classifications of pathogenicity. Review status: criteria provided, conflicting classifications (1 of 4 stars). 4 submissions from 4 submitters: Pathogenic (2); Uncertain significance (2). Last evaluated 2025-07-09.

Conditions:
RYR1-related disorder. Also called: RYR1-related disorders; RYR1-related condition. Identifiers: MedGen CN239331.
Malignant hyperthermia, susceptibility to, 1 (MHS1). Also called: RYR1-Related Malignant Hyperthermia Susceptibility; Malignant hyperthermia suceptibility 1; Anesthesia related hyperthermia; Malignant hyperpyrexia; Fulminating hyperpyrexia; Pharmacogenic myopathy. Identifiers: Orphanet 423, MedGen C2930980, MONDO:0007783, OMIM 145600.

Allele frequency attached by ClinVar (database versions not stated): TOPMed below 0.00001; gnomAD 0.00001; gnomAD exomes 0.00001.
gnomAD v4.1: 7 of 1,613,904 alleles (0.00043%); highest among the groups gnomAD compares: Non-Finnish European, 0.00051%; no homozygotes.

Submissions (4):

Color Diagnostics, LLC DBA Color Health
Classification: Uncertain significance for Malignant hyperthermia, susceptibility to, 1. Last evaluated: 2025-07-09. Review status: criteria provided, single submitter. Criteria: ACMG Guidelines, 2015. Collection method: clinical testing. Allele origin: germline.
Comment: This variant causes a G to A nucleotide substitution at -1 position in intron 100 in the RYR1 protein. To our knowledge, functional studies have not been reported for this variant. This variant has not been reported in individuals affected with malignant hyperthermia susceptibility in the literature, although it is associated with a different phenotype (ClinVar variation ID: 419522). This variant has not been identified in the general population by the Genome Aggregation Database (gnomAD). The available evidence is insufficient to determine the role of this variant in autosomal dominant malignant hyperthermia susceptibility conclusively. Therefore, this variant is classified as a Variant of Uncertain Significance.

Labcorp Genetics (formerly Invitae), Labcorp
Classification: Pathogenic for RYR1-related disorder. Last evaluated: 2025-06-01. Review status: criteria provided, single submitter. Criteria: Invitae Variant Classification Sherloc (09022015). Collection method: clinical testing. Allele origin: germline.
Comment: This sequence change affects an acceptor splice site in intron 100 of the RYR1 gene. It is expected to disrupt RNA splicing. Variants that disrupt the donor or acceptor splice site typically lead to a loss of protein function (PMID: 16199547), and loss-of-function variants in RYR1 are known to be pathogenic (PMID: 23919265, 25960145, 28818389, 30611313). This variant is not present in population databases (gnomAD no frequency). Disruption of this splice site has been observed in individual(s) with reduced fetal movement and other abnormalities, and centronuclear myopathy (PMID: 26275793; internal data). It has also been observed to segregate with disease in related individuals. ClinVar contains an entry for this variant (Variation ID: 419522). Algorithms developed to predict the effect of sequence changes on RNA splicing suggest that this variant may disrupt the consensus splice site. For these reasons, this variant has been classified as Pathogenic.

All of Us Research Program, National Institutes of Health
Classification: Uncertain significance for Malignant hyperthermia, susceptibility to, 1. Last evaluated: 2024-08-30. Review status: criteria provided, single submitter. Criteria: ACMG Guidelines, 2015. Collection method: clinical testing. Allele origin: germline. Inheritance: Autosomal dominant inheritance. Observed: 1 variant allele, 1 heterozygote.
Comment: This study involves interpretation of variants in research participants for the purpose of population health screening. Participant phenotype was not available at the time of variant classification. Additional details can be found in publication PMID: 35346344, PMCID: PMC8962531

GeneDx
Classification: Pathogenic. Last evaluated: 2015-07-17. Review status: criteria provided, single submitter. Criteria: GeneDx Variant Classification (06012015). Collection method: clinical testing. Allele origin: germline. Affected: yes.
Comment: The c.14512-1G>A variant in the RYR1 gene has not been reported previously as a pathogenic variant nor as a benign polymorphism, to our knowledge. This splice site substitution destroys the canonical spliceacceptor site in intron 100. It is predicted to cause abnormal gene splicing, either leading to an abnormalmessage that is subject to nonsense-mediated mRNA decay, or to an abnormal protein product if the message is used for protein translation. The c.14512-1G>A variant was not observed in approximately 6,500individuals of European and African American ancestry in the NHLBI Exome Sequencing Project, indicating itis not a common benign variant in these populations. We interpret c.14512-1G>A as a pathogenic variant.

Literature cited by the submitters: PubMed 16199547 (cited by Labcorp Genetics (formerly Invitae), Labcorp); PubMed 23919265 (cited by Labcorp Genetics (formerly Invitae), Labcorp); PubMed 25960145 (cited by Labcorp Genetics (formerly Invitae), Labcorp); PubMed 28818389 (cited by Labcorp Genetics (formerly Invitae), Labcorp); PubMed 30611313 (cited by Labcorp Genetics (formerly Invitae), Labcorp); PubMed 26275793 (cited by Labcorp Genetics (formerly Invitae), Labcorp).